The following is an entry in ClinVar:

NM_181861.2(APAF1):c.2022C>A (p.Thr674=)

Gene: APAF1 (apoptotic peptidase activating factor 1; plus strand). Cytogenetic location: 12q23.1.
Variant type: single nucleotide variant.
Coding change: c.2022C>A on transcript NM_181861.2 (MANE Select); coding-DNA position 2022, C replaced by A.
Protein change: p.Thr674=; no amino-acid change (threonine 674 retained).
Molecular consequence: synonymous variant. On other transcripts: intron variant (1).
Genome position (GRCh38, 1-based): chr12:98,680,378, C>A. VCF-style: chr12-98680378-C-A. GRCh37 (hg19) VCF-style: chr12-99074156-C-A.
Other names: c.1989C>A, p.Thr663= (NM_001160.3, NM_013229.3); c.2022C>A, p.Thr674= (NM_181868.2); c.955+17572C>A (NM_181869.2).
Identifiers: ClinVar variation 3038092 (VCV003038092.2), dbSNP rs749682848, ClinGen allele CA6734143.

ClinVar aggregate classification (germline): Likely benign (0 of 4 stars; one submission).

Conditions:
APAF1-related disorder. Also called: APAF1-related condition.

Allele frequency attached by ClinVar (database versions not stated): gnomAD 0.00001; ExAC 0.00002; TOPMed 0.00002.
gnomAD v4.1: 19 of 1,613,558 alleles (0.0012%); highest among the groups gnomAD compares: Non-Finnish European, 0.0015%; no homozygotes.

Submission:

PreventionGenetics, part of Exact Sciences
Classification: Likely benign for APAF1-related condition. Last evaluated: 2019-04-29. Review status: no assertion criteria provided. Collection method: clinical testing. Allele origin: germline.
Comment: This variant is classified as likely benign based on ACMG/AMP sequence variant interpretation guidelines (Richards et al. 2015 PMID: 25741868, with internal and published modifications).